The following is an entry in ClinVar:

NM_018344.6(SLC29A3):c.839C>G (p.Ser280Cys)

Gene: SLC29A3 (solute carrier family 29 member 3; plus strand). Cytogenetic location: 10q22.1.
Variant type: single nucleotide variant.
Coding change: c.839C>G on transcript NM_018344.6 (MANE Select); coding-DNA position 839, C replaced by G.
Protein change: p.Ser280Cys; replaces serine 280 with cysteine.
Molecular consequence: missense variant. On other transcripts: 3 prime UTR variant (1), non-coding transcript variant (2).
Genome position (GRCh38, 1-based): chr10:71,362,019, C>G. VCF-style: chr10-71362019-C-G. GRCh37 (hg19) VCF-style: chr10-73121776-C-G.
Other names: c.*68C>G (NM_001174098.2); c.605C>G, p.Ser202Cys (NM_001363518.2); short protein forms S202C, S280C.
Identifiers: ClinVar variation 2123432 (VCV002123432.4), dbSNP rs1847068032, ClinGen allele CA377114133.

ClinVar aggregate classification (germline): Uncertain significance (1 of 4 stars; one submission).

Conditions:
H syndrome. Also called: Pigmented hypertrichosis and insulin-dependent diabetes mellitus; Histiocytosis with joint contractures and sensorineural deafness; FAISALABAD HISTIOCYTOSIS; Asrar Facharzt Haque syndrome; HISTIOCYTOSIS AND LYMPHADENOPATHY WITH OR WITHOUT CUTANEOUS, CARDIAC, AND/OR ENDOCRINE FEATURES, JOINT CONTRACTURES, AND/OR DEAFNESS; HYPERPIGMENTATION, CUTANEOUS, WITH HYPERTRICHOSIS, HEPATOSPLENOMEGALY, HEART ANOMALIES, AND HYPOGONADISM WITH OR WITHOUT HEARING LOSS. Identifiers: Orphanet 168569, MedGen C1864445, MONDO:0011273, OMIM 602782.

Submission:

Labcorp Genetics (formerly Invitae), Labcorp
Classification: Uncertain significance for H syndrome. Last evaluated: 2022-04-09. Review status: criteria provided, single submitter. Criteria: Invitae Variant Classification Sherloc (09022015). Collection method: clinical testing. Allele origin: germline.
Comment: This sequence change replaces serine, which is neutral and polar, with cysteine, which is neutral and slightly polar, at codon 280 of the SLC29A3 protein (p.Ser280Cys). This variant is not present in population databases (gnomAD no frequency). This variant has not been reported in the literature in individuals affected with SLC29A3-related conditions. Algorithms developed to predict the effect of missense changes on protein structure and function are either unavailable or do not agree on the potential impact of this missense change (SIFT: "Deleterious"; PolyPhen-2: "Benign"; Align-GVGD: "Class C0"). In summary, the available evidence is currently insufficient to determine the role of this variant in disease. Therefore, it has been classified as a Variant of Uncertain Significance.